The following is an entry in ClinVar:

ClinVar aggregate classification (germline): Uncertain significance (1 of 4 stars; one submission).

gnomAD v4.1: 24 of 1,611,420 alleles (0.0015%); highest among the groups gnomAD compares: Non-Finnish European, 0.002%; no homozygotes.

Submission:

Mayo Clinic Laboratories, Mayo Clinic
Classification: Uncertain significance. Last evaluated: 2024-02-12. Review status: criteria provided, single submitter. Criteria: ACMG Guidelines, 2015. Collection method: clinical testing. Allele origin: germline. Observed: 1 variant allele.
Comment: PM2_moderate

NM_153816.6(SNX14):c.2402T>G (p.Val801Gly)

Gene: SNX14 (sorting nexin 14; minus strand). Cytogenetic location: 6q14.3.
Variant type: single nucleotide variant.
Coding change: c.2402T>G on transcript NM_153816.6 (MANE Select); coding-DNA position 2402, T replaced by G.
Protein change: p.Val801Gly; replaces valine 801 with glycine.
Molecular consequence: missense variant. On other transcripts: non-coding transcript variant (6), intron variant (2).
Genome position (GRCh38, 1-based): chr6:85,514,225, A>C on the plus strand (T>G on the coding strand, the complement: SNX14 is on the minus strand). VCF-style: chr6-85514225-A-C. GRCh37 (hg19) VCF-style: chr6-86223943-A-C.
Other names: p.Val801Gly; c.2375T>G, p.Val792Gly (NM_001297614.3); c.2246T>G, p.Val749Gly (NM_001304479.2); c.2465T>G, p.Val822Gly (NM_001350532.2); c.2399T>G, p.Val800Gly (NM_001350533.2, NM_001350535.2); c.2372T>G, p.Val791Gly (NM_001350534.2); c.2270T>G, p.Val757Gly (NM_001350536.2); c.2267T>G, p.Val756Gly (NM_001350537.2); and 11 more; short protein forms V407G, V416G, V451G, V653G, V701G, V704G, V705G, V748G.
Identifiers: ClinVar variation 3379704 (VCV003379704.1).